The following is an entry in ClinVar:

ClinVar aggregate classification (germline): Uncertain significance. Review status: criteria provided, multiple submitters, no conflicts (2 of 4 stars). 2 submissions from 2 submitters: Uncertain significance (2). Last evaluated 2026-02-20.

Conditions:
Supravalvar aortic stenosis (SVAS). Also called: Supravalvar aortic stenosis, Eisenberg type. Identifiers: Orphanet 3193, MedGen C0003499, MONDO:0008504, OMIM 185500, HP:0004381.

Allele frequency attached by ClinVar (database versions not stated): gnomAD 0.00001; TOPMed 0.00001.
gnomAD v4.1: 11 of 1,614,054 alleles (0.00068%); highest among the groups gnomAD compares: Non-Finnish European, 0.00093%; no homozygotes.

Submissions (2):

Women's Health and Genetics/Laboratory Corporation of America, LabCorp
Classification: Uncertain significance. Last evaluated: 2026-02-20. Review status: criteria provided, single submitter. Criteria: LabCorp Variant Classification Summary - May 2015. Collection method: clinical testing. Allele origin: germline.

Labcorp Genetics (formerly Invitae), Labcorp
Classification: Uncertain significance for Supravalvar aortic stenosis. Last evaluated: 2023-05-22. Review status: criteria provided, single submitter. Criteria: Invitae Variant Classification Sherloc (09022015). Collection method: clinical testing. Allele origin: germline.
Comment: In summary, the available evidence is currently insufficient to determine the role of this variant in disease. Therefore, it has been classified as a Variant of Uncertain Significance. Advanced modeling of protein sequence and biophysical properties (such as structural, functional, and spatial information, amino acid conservation, physicochemical variation, residue mobility, and thermodynamic stability) performed at Invitae indicates that this missense variant is not expected to disrupt ELN protein function. ClinVar contains an entry for this variant (Variation ID: 2073811). This variant has not been reported in the literature in individuals affected with ELN-related conditions. This variant is present in population databases (no rsID available, gnomAD 0.0009%). This sequence change replaces glycine, which is neutral and non-polar, with alanine, which is neutral and non-polar, at codon 724 of the ELN protein (p.Gly724Ala).

NM_000501.4(ELN):c.1985G>C (p.Gly662Ala)

Gene: ELN (elastin; plus strand). Cytogenetic location: 7q11.23.
Variant type: single nucleotide variant.
Coding change: c.1985G>C on transcript NM_000501.4 (MANE Select); coding-DNA position 1985, G replaced by C.
Protein change: p.Gly662Ala; replaces glycine 662 with alanine.
Molecular consequence: missense variant.
Genome position (GRCh38, 1-based): chr7:74,063,687, G>C. VCF-style: chr7-74063687-G-C. GRCh37 (hg19) VCF-style: chr7-73478017-G-C.
Other names: c.1898G>C, p.Gly633Ala (NM_001081752.3); c.1943G>C, p.Gly648Ala (NM_001081753.3); c.2000G>C, p.Gly667Ala (NM_001081754.3); c.1928G>C, p.Gly643Ala (NM_001081755.3); c.1985G>C, p.Gly662Ala (NM_001278912.2); c.1742G>C, p.Gly581Ala (NM_001278913.2); c.1913G>C, p.Gly638Ala (NM_001278914.2); c.2003G>C, p.Gly668Ala (NM_001278915.2); and 4 more; short protein forms G633A, G648A, G662A, G668A, G614A, G573A, G581A, G667A.
Identifiers: ClinVar variation 2073811 (VCV002073811.5), dbSNP rs782551181, ClinGen allele CA367890676.